The following is an entry in ClinVar:

ClinVar aggregate classification (germline): Uncertain significance. Review status: criteria provided, multiple submitters, no conflicts (2 of 4 stars). 5 submissions from 5 submitters: Uncertain significance (5). Last evaluated 2025-04-28.

Conditions:
Inborn genetic diseases. Identifiers: MedGen C0950123, MeSH D030342.
Ullrich congenital muscular dystrophy 2 (UCMD2). Identifiers: Orphanet 75840, MedGen C4225314, MONDO:0014654, OMIM 616470.
Bethlem myopathy 2 (BTHLM2). Identifiers: Orphanet 536516, Orphanet 610, MedGen C4225313, MONDO:0034022, OMIM 616471.
COL12A1-related disorder. Also called: COL12A1-related condition.

Allele frequency attached by ClinVar (database versions not stated): gnomAD exomes 0.00001.
gnomAD v4.1: 14 of 1,614,030 alleles (0.00087%); highest among the groups gnomAD compares: Non-Finnish European, 0.0012%; no homozygotes.

Submissions (5):

Labcorp Genetics (formerly Invitae), Labcorp
Classification: Uncertain significance for Bethlem myopathy 2; Ullrich congenital muscular dystrophy 2. Last evaluated: 2025-04-28. Review status: criteria provided, single submitter. Criteria: Invitae Variant Classification Sherloc (09022015). Collection method: clinical testing. Allele origin: germline.
Comment: This sequence change replaces alanine, which is neutral and non-polar, with proline, which is neutral and non-polar, at codon 379 of the COL12A1 protein (p.Ala379Pro). This variant is present in population databases (rs779083996, gnomAD 0.002%). This variant has not been reported in the literature in individuals affected with COL12A1-related conditions. ClinVar contains an entry for this variant (Variation ID: 1055981). Invitae Evidence Modeling of protein sequence and biophysical properties (such as structural, functional, and spatial information, amino acid conservation, physicochemical variation, residue mobility, and thermodynamic stability) indicates that this missense variant is not expected to disrupt COL12A1 protein function with a negative predictive value of 80%. In summary, the available evidence is currently insufficient to determine the role of this variant in disease. Therefore, it has been classified as a Variant of Uncertain Significance.

GeneDx
Classification: Uncertain significance. Last evaluated: 2023-12-04. Review status: criteria provided, single submitter. Criteria: GeneDx Variant Classification Process June 2021. Collection method: clinical testing. Allele origin: germline. Affected: yes.
Comment: Not observed at significant frequency in large population cohorts (gnomAD); In silico analysis supports that this missense variant does not alter protein structure/function; Has not been previously published as pathogenic or benign to our knowledge

Ambry Genetics
Classification: Uncertain significance for Inborn genetic diseases. Last evaluated: 2023-04-20. Review status: criteria provided, single submitter. Criteria: Ambry Variant Classification Scheme 2023. Collection method: clinical testing. Allele origin: germline.

PreventionGenetics, part of Exact Sciences
Classification: Uncertain significance for COL12A1-related condition. Last evaluated: 2022-12-12. Review status: criteria provided, single submitter. Criteria: ACMG Guidelines, 2015. Collection method: clinical testing. Allele origin: germline.
Comment: The COL12A1 c.1135G>C variant is predicted to result in the amino acid substitution p.Ala379Pro. To our knowledge, this variant has not been reported in the literature. This variant is reported in 0.0018% of alleles in individuals of European (Non-Finnish) descent in gnomAD. At this time, the clinical significance of this variant is uncertain due to the absence of conclusive functional and genetic evidence.

Revvity Omics, Revvity
Classification: Uncertain significance. Last evaluated: 2021-12-07. Review status: criteria provided, single submitter. Criteria: ACMG Guidelines, 2015. Collection method: clinical testing. Allele origin: germline.

NM_004370.6(COL12A1):c.1135G>C (p.Ala379Pro)

Gene: COL12A1 (collagen type XII alpha 1 chain; minus strand). Cytogenetic location: 6q13.
Variant type: single nucleotide variant.
Coding change: c.1135G>C on transcript NM_004370.6 (MANE Select); coding-DNA position 1135, G replaced by C.
Protein change: p.Ala379Pro; replaces alanine 379 with proline.
Molecular consequence: missense variant. On other transcripts: intron variant (1).
Genome position (GRCh38, 1-based): chr6:75,184,007, C>G on the plus strand (G>C on the coding strand, the complement: COL12A1 is on the minus strand). VCF-style: chr6-75184007-C-G. GRCh37 (hg19) VCF-style: chr6-75893723-C-G.
Other names: c.1135G>C (NM_004370.5); c.73+18713G>C (NM_080645.3); short protein forms A379P.
Identifiers: ClinVar variation 1055981 (VCV001055981.13), dbSNP rs779083996, ClinGen allele CA141030718.